The following is an entry in ClinVar:

ClinVar aggregate classification (germline): Pathogenic/Likely pathogenic. Review status: criteria provided, multiple submitters, no conflicts (2 of 4 stars). 2 submissions from 2 submitters: Pathogenic (1); Likely pathogenic (1). Last evaluated 2025-12-10.

Conditions:
C8B-related disorder. Also called: C8B-related condition.

Allele frequency attached by ClinVar (database versions not stated): TOPMed below 0.00001; gnomAD 0.00001; gnomAD exomes 0.00002.
gnomAD v4.1: 25 of 1,613,986 alleles (0.0015%); highest among the groups gnomAD compares: Non-Finnish European, 0.002%; no homozygotes.

Submissions (2):

PreventionGenetics, part of Exact Sciences
Classification: Pathogenic for C8B-related condition. Last evaluated: 2025-12-10. Review status: criteria provided, single submitter. Criteria: ACMG Guidelines, 2015. Collection method: clinical testing. Allele origin: germline.
Comment: The C8B c.1105+1G>A variant is predicted to disrupt the GT donor site and interfere with normal splicing. This variant was reported individuals with complement C8b deficiency (El Sissy et al. 2019. PubMed ID: 31440263; Rosain et al. 2017. PubMed ID: 28368462). This variant is reported in 0.00088% of alleles in individuals of European (Non-Finnish) descent in gnomAD. Variants that disrupt the consensus splice donor site in C8B are expected to be pathogenic. This variant is interpreted as pathogenic.

Labcorp Genetics (formerly Invitae), Labcorp
Classification: Likely pathogenic. Last evaluated: 2022-12-23. Review status: criteria provided, single submitter. Criteria: Invitae Variant Classification Sherloc (09022015). Collection method: clinical testing. Allele origin: germline.
Comment: In summary, the currently available evidence indicates that the variant is pathogenic, but additional data are needed to prove that conclusively. Therefore, this variant has been classified as Likely Pathogenic. Algorithms developed to predict the effect of sequence changes on RNA splicing suggest that this variant may disrupt the consensus splice site. Disruption of this splice site has been observed in individual(s) with C8B-related conditions (PMID: 28368462, 31440263). This variant is present in population databases (no rsID available, gnomAD 0.0009%). This sequence change affects a donor splice site in intron 7 of the C8B gene. It is expected to disrupt RNA splicing. Variants that disrupt the donor or acceptor splice site typically lead to a loss of protein function (PMID: 16199547), and loss-of-function variants in C8B are known to be pathogenic (PMID: 7594510).

Literature cited by the submitters: PubMed 28368462 (cited by Labcorp Genetics (formerly Invitae), Labcorp); PubMed 31440263 (cited by Labcorp Genetics (formerly Invitae), Labcorp); PubMed 16199547 (cited by Labcorp Genetics (formerly Invitae), Labcorp); PubMed 7594510 (cited by Labcorp Genetics (formerly Invitae), Labcorp).

NM_000066.4(C8B):c.1105+1G>A

Gene: C8B (complement C8 beta chain; minus strand). Cytogenetic location: 1p32.2.
Variant type: single nucleotide variant.
Coding change: c.1105+1G>A on transcript NM_000066.4 (MANE Select); the canonical splice donor site of the intron after coding-DNA position 1105, G replaced by A.
Molecular consequence: splice donor variant.
Genome position (GRCh38, 1-based): chr1:56,945,820, C>T on the plus strand (G>A on the coding strand, the complement: C8B is on the minus strand). VCF-style: chr1-56945820-C-T. GRCh37 (hg19) VCF-style: chr1-57411493-C-T.
Other names: c.1105+1G>A (NM_000066.3); c.919+1G>A (NM_001278544.2); c.949+1G>A (NM_001278543.2).
Identifiers: ClinVar variation 2971405 (VCV002971405.4), dbSNP rs1398395381, ClinGen allele CA340526456.